The following is an entry in ClinVar:

ClinVar aggregate classification (germline): Benign/Likely benign. Review status: criteria provided, multiple submitters, no conflicts (2 of 4 stars). 11 submissions from 11 submitters: Benign (8); Likely benign (3). Last evaluated 2026-09-01.

Conditions:
Primary ciliary dyskinesia. Also called: Ciliary dyskinesia. Identifiers: Orphanet 244, MedGen C0008780, MONDO:0016575, HP:0012265.
Primary ciliary dyskinesia 11. Also called: CILIARY DYSKINESIA, PRIMARY, 11, WITHOUT SITUS INVERSUS. Identifiers: Orphanet 244, MedGen C2675229, MONDO:0012978, OMIM 612649.

Allele frequency attached by ClinVar (database versions not stated): 1000 Genomes Project 0.00599; 1000 Genomes Project 30x 0.00656; TOPMed 0.00910; gnomAD 0.01143 and 0.01149; ESP Exome Variant Server 0.01146; ExAC 0.01240; gnomAD exomes 0.01248.
gnomAD v4.1: 24,188 of 1,614,050 alleles (1.5%); highest among the groups gnomAD compares: Non-Finnish European, 1.7%; 251 homozygotes.

Submissions (11):

CeGaT Center for Human Genetics Tuebingen
Classification: Benign. Last evaluated: 2026-09-01. Review status: criteria provided, single submitter. Criteria: CeGaT Center For Human Genetics Tuebingen Variant Classification Criteria Version 2. Collection method: clinical testing. Allele origin: germline. Affected: yes. Observed: 13 variant alleles.
Comment: RSPH4A: BP4, BS1, BS2

Labcorp Genetics (formerly Invitae), Labcorp
Classification: Benign for Primary ciliary dyskinesia. Last evaluated: 2026-02-02. Review status: criteria provided, single submitter. Criteria: Invitae Variant Classification Sherloc (09022015). Collection method: clinical testing. Allele origin: germline.

ARUP Laboratories, Molecular Genetics and Genomics, ARUP Laboratories
Classification: Benign for Primary ciliary dyskinesia 11. Last evaluated: 2025-06-12. Review status: criteria provided, single submitter. Criteria: ARUP Molecular Germline Variant Investigation Process 2024. Collection method: clinical testing. Allele origin: germline.

Blueprint Genetics
Classification: Likely benign. Last evaluated: 2024-11-26. Review status: criteria provided, single submitter. Criteria: ACMG Guidelines, 2015. Collection method: clinical testing. Allele origin: germline.

Mayo Clinic Laboratories, Mayo Clinic
Classification: Benign. Last evaluated: 2023-04-17. Review status: criteria provided, single submitter. Criteria: ACMG Guidelines, 2015. Collection method: clinical testing. Allele origin: germline. Observed: 4 variant alleles.
Comment: BS1, BS2, BP4

GeneDx
Classification: Benign. Last evaluated: 2020-11-30. Review status: criteria provided, single submitter. Criteria: GeneDx Variant Classification Process June 2021. Collection method: clinical testing. Allele origin: germline. Affected: yes.
Comment: This variant is associated with the following publications: (PMID: 31213628)

Illumina Laboratory Services, Illumina
Classification: Likely benign for Primary ciliary dyskinesia 11. Last evaluated: 2018-01-13. Review status: criteria provided, single submitter. Criteria: ICSL Variant Classification Criteria 13 December 2019. Collection method: clinical testing. Allele origin: germline.
Comment: This variant was observed in the ICSL laboratory as part of a predisposition screen in an ostensibly healthy population. It had not been previously curated by ICSL or reported in the Human Gene Mutation Database (HGMD: prior to June 1st, 2018), and was therefore a candidate for classification through an automated scoring system. Utilizing variant allele frequency, disease prevalence and penetrance estimates, and inheritance mode, an automated score was calculated to assess if this variant is too frequent to cause the disease. Based on the score and internal cut-off values, a variant classified as likely benign is not then subjected to further curation. The score for this variant resulted in a classification of likely benign for this disease.

Ambry Genetics
Classification: Benign for Primary ciliary dyskinesia. Last evaluated: 2014-09-12. Review status: criteria provided, single submitter. Criteria: Ambry Variant Classification Scheme 2023. Collection method: clinical testing. Allele origin: germline.

Laboratory for Molecular Medicine, Mass General Brigham Personalized Medicine
Classification: Benign. Last evaluated: 2013-02-21. Review status: criteria provided, single submitter. Criteria: LMM Criteria. Collection method: clinical testing. Allele origin: germline. Observed: 3 variant alleles.
Comment: Val497Ile in exon 3 of RSPH4A: This variant is not expected to have clinical sig nificance because it has been identified in 1.5% (133/8600) of European American chromosomes from a broad population by the NHLBI Exome Sequencing Project (dbSNP rs117169123).

Breakthrough Genomics
Classification: Likely benign. Review status: criteria provided, single submitter. Criteria: ACMG Guidelines, 2015. Collection method: not provided. Allele origin: germline. Inheritance: Autosomal recessive inheritance. Affected: yes.

PreventionGenetics, part of Exact Sciences
Classification: Benign. Review status: criteria provided, single submitter. Criteria: ACMG Guidelines, 2015. Collection method: clinical testing. Allele origin: germline.

Literature cited by the submitters: PubMed 31213628 (cited by Mayo Clinic Laboratories, Mayo Clinic).

NM_001010892.3(RSPH4A):c.1489G>A (p.Val497Ile)

Gene: RSPH4A (radial spoke head component 4A; plus strand). Cytogenetic location: 6q22.1.
Variant type: single nucleotide variant.
Coding change: c.1489G>A on transcript NM_001010892.3 (MANE Select); coding-DNA position 1489, G replaced by A.
Protein change: p.Val497Ile; replaces valine 497 with isoleucine.
Molecular consequence: missense variant.
Genome position (GRCh38, 1-based): chr6:116,628,196, G>A. VCF-style: chr6-116628196-G-A. GRCh37 (hg19) VCF-style: chr6-116949359-G-A.
Other names: c.1489G>A, p.Val497Ile (NM_001161664.2); short protein forms V497I.
Identifiers: ClinVar variation 178801 (VCV000178801.52), dbSNP rs117169123, ClinGen allele CA183062.